The following is an entry in ClinVar:

ClinVar aggregate classification (germline): Likely benign (1 of 4 stars; one submission).

Allele frequency attached by ClinVar (database versions not stated): ExAC 0.00001; TOPMed 0.00002; gnomAD exomes 0.00003.
gnomAD v4.1: 39 of 1,204,615 alleles (0.0032%); highest among the groups gnomAD compares: South Asian, 0.0053%; no homozygotes.

Submission:

CeGaT Center for Human Genetics Tuebingen
Classification: Likely benign. Last evaluated: 2022-08-01. Review status: criteria provided, single submitter. Criteria: CeGaT Center For Human Genetics Tuebingen Variant Classification Criteria Version 2. Collection method: clinical testing. Allele origin: germline. Affected: yes. Observed: 1 variant allele.
Comment: MAP7D3: BP4, BP7

NM_024597.4(MAP7D3):c.771C>A (p.Val257=)

Gene: MAP7D3 (MAP7 domain containing 3; minus strand). Cytogenetic location: Xq26.3.
Variant type: single nucleotide variant.
Coding change: c.771C>A on transcript NM_024597.4 (MANE Select); coding-DNA position 771, C replaced by A.
Protein change: p.Val257=; no amino-acid change (valine 257 retained).
Molecular consequence: synonymous variant.
Genome position (GRCh38, 1-based): chrX:136,232,186, G>T on the plus strand (C>A on the coding strand, the complement: MAP7D3 is on the minus strand). VCF-style: chrX-136232186-G-T. GRCh37 (hg19) VCF-style: chrX-135314345-G-T.
Other names: c.717C>A, p.Val239= (NM_001173516.1); c.666C>A, p.Val222= (NM_001173517.2).
Identifiers: ClinVar variation 2661505 (VCV002661505.24), dbSNP rs755450116, ClinGen allele CA10525635.
Genomic context (GRCh38, chrX:136,232,186, plus strand): 5'-CGACATGGGAAACATAACAGCCCTCAATTCGTCGCTAGTACATTTACGCAAGGGTACAGT[G>T]ACATACTGCATTACATAATTGGTGACGCCTGTAACTGAATGAGGACAGAGCATGAAATTC-3'
Protein context (NP_078873.2, residues 247-267): TGVTNYVMQY[Val257=]TVPLRKCTSD